The following is an entry in ClinVar:

ClinVar aggregate classification (germline): Pathogenic (1 of 4 stars; one submission).

Submission:

GeneDx
Classification: Pathogenic. Last evaluated: 2014-09-23. Review status: criteria provided, single submitter. Criteria: GeneDx Variant Classification (06012015). Collection method: clinical testing. Allele origin: germline. Affected: yes.
Comment: Although the c.3773delC mutation in the FBN1 gene has not been reported to our knowledge, this mutation causes a shift in reading frame starting at codon Proline 1258, changing it to a Leucine, and creating a premature stop codon at position 18 of the new reading frame, denoted p.Pro1258LeufsX18. This mutation is expected to result in either an abnormal, truncated protein product or loss of protein from this allele through nonsense-mediated mRNA decay. Other frameshift mutations in the FBN1 gene have been reported in association with Marfan syndrome. In summary, c.3773delC in the FBN1 gene is interpreted as a disease-causing mutation .

NM_000138.5(FBN1):c.3773del (p.Pro1258fs)

Gene: FBN1 (fibrillin 1; minus strand). Cytogenetic location: 15q21.1.
Variant type: Deletion.
Coding change: c.3773del on transcript NM_000138.5 (MANE Select); coding-DNA position 3773, one base deleted (C; older notation c.3773delC).
Protein change: p.Pro1258fs; shifts the reading frame from proline 1258.
Molecular consequence: frameshift variant.
Genome position (GRCh38, 1-based): chr15:48,483,883, G deleted on the plus strand (C on the coding strand, the reverse complement: FBN1 is on the minus strand); the first of 3 consecutive G bases (chr15:48,483,883-48,483,885); deleting any one gives the same sequence. VCF-style (leftmost placement, unchanged base first): chr15-48483882-AG-A. GRCh37 (hg19) VCF-style: chr15-48776079-AG-A.
Other names: c.3773delC (NM_000138.4); short protein forms P1258fs.
Identifiers: ClinVar variation 200206 (VCV000200206.2), dbSNP rs794728343, ClinGen allele CA014534.